The following is an entry in ClinVar:

ClinVar aggregate classification (germline): Conflicting classifications of pathogenicity. Review status: criteria provided, conflicting classifications (1 of 4 stars). 4 submissions from 4 submitters: Uncertain significance (2); Likely benign (1). 1 of the submissions does not count toward it. Last evaluated 2026-01-28.

Conditions:
Autosomal dominant Alport syndrome (ATS3A). Also called: ALPORT SYNDROME 3A, AUTOSOMAL DOMINANT; Alport syndrome dominant type; Renal failure and sensorineural hearing loss. Identifiers: Orphanet 63, Orphanet 88918, MedGen C5882663, MONDO:0007086, OMIM 104200.
Autosomal recessive Alport syndrome (ATS2). Also called: COL4A4 Alport Syndrome and Thin Basement Membrane Nephropathy; ALPORT SYNDROME 2, AUTOSOMAL RECESSIVE; COL4A3-Related Nephropathy; Alport syndrome type 2. Identifiers: Orphanet 63, Orphanet 88919, MedGen C4746745, MONDO:0008762, OMIM 203780.
Benign familial hematuria. Also called: thin basement membrane disease. Identifiers: MedGen C0241908, MONDO:0957317.

Allele frequency attached by ClinVar (database versions not stated): TOPMed 0.00004; ESP Exome Variant Server 0.00017; gnomAD 0.00004; gnomAD exomes 0.00005 and 0.00008; ExAC 0.00008.
gnomAD v4.1: 119 of 1,613,198 alleles (0.0074%); highest among the groups gnomAD compares: Non-Finnish European, 0.0094%; no homozygotes.

Submissions (4):

Labcorp Genetics (formerly Invitae), Labcorp
Classification: Likely benign. Last evaluated: 2026-01-28. Review status: criteria provided, single submitter. Criteria: Invitae Variant Classification Sherloc (09022015). Collection method: clinical testing. Allele origin: germline.

GeneDx
Classification: Uncertain significance. Last evaluated: 2025-09-10. Review status: criteria provided, single submitter. Criteria: GeneDx Variant Classification Process June 2021. Collection method: clinical testing. Allele origin: germline. Affected: yes.
Comment: Reported in an individual in a study of patients with keratoconus (PMID: 29924831); In silico analysis suggests that this missense variant does not alter protein structure/function; Occurs in the triple helical domain at the Y position in the canonical Gly-X-Y repeat; although this variant may have an effect on normal protein folding and function, missense substitution at the Y position is not a common mechanism of disease; This variant is associated with the following publications: (PMID: 29924831)

Fulgent Genetics
Classification: Uncertain significance for Autosomal dominant Alport syndrome; Hematuria, benign familial, 1; Autosomal recessive Alport syndrome. Last evaluated: 2022-02-08. Review status: criteria provided, single submitter. Criteria: ACMG Guidelines, 2015. Collection method: clinical testing. Allele origin: unknown.

Bioscientia Institut fuer Medizinische Diagnostik GmbH, Sonic Healthcare
Classification: Uncertain significance for Autosomal dominant Alport syndrome. Last evaluated: 2019-05-28. Review status: no assertion criteria provided. Collection method: clinical testing. Allele origin: germline. Affected: yes. Not counted in ClinVar's aggregate classification.

NM_000091.5(COL4A3):c.514G>A (p.Asp172Asn)

Genes: COL4A3 (collagen type IV alpha 3 chain; plus strand), MFF-DT (MFF divergent transcript; minus strand). Cytogenetic location: 2q36.3.
Variant type: single nucleotide variant.
Coding change: c.514G>A on transcript NM_000091.5 (MANE Select); coding-DNA position 514, G replaced by A.
Protein change: p.Asp172Asn; replaces aspartic acid 172 with asparagine.
Molecular consequence: missense variant.
Genome position (GRCh38, 1-based): chr2:227,248,488, G>A. VCF-style: chr2-227248488-G-A. GRCh37 (hg19) VCF-style: chr2-228113204-G-A.
Other names: short protein forms D172N.
Identifiers: ClinVar variation 829847 (VCV000829847.8), dbSNP rs377575924, ClinGen allele CA2146181.